The following is an entry in ClinVar:

ClinVar aggregate classification (germline): Uncertain significance. Review status: criteria provided, multiple submitters, no conflicts (2 of 4 stars). 2 submissions from 2 submitters: Uncertain significance (2). Last evaluated 2023-12-15.

Conditions:
Hereditary nonpolyposis colorectal neoplasms. Identifiers: MedGen C0009405, MeSH D003123.
Hereditary cancer-predisposing syndrome. Also called: Hereditary Cancer Syndrome; Neoplastic Syndromes, Hereditary; Tumor predisposition; Hereditary neoplastic syndrome. Identifiers: Orphanet 140162, MedGen C0027672, MeSH D009386, MONDO:0015356.

gnomAD v4.1: 2 of 1,577,644 alleles (0.00013%); highest among the groups gnomAD compares: African/African-American, 0.0013%; no homozygotes.

Submissions (2):

Labcorp Genetics (formerly Invitae), Labcorp
Classification: Uncertain significance for Hereditary nonpolyposis colorectal neoplasms. Last evaluated: 2023-12-15. Review status: criteria provided, single submitter. Criteria: Invitae Variant Classification Sherloc (09022015). Collection method: clinical testing. Allele origin: germline.
Comment: This sequence change replaces valine, which is neutral and non-polar, with leucine, which is neutral and non-polar, at codon 306 of the PMS2 protein (p.Val306Leu). This variant is not present in population databases (gnomAD no frequency). This variant has not been reported in the literature in individuals affected with PMS2-related conditions. ClinVar contains an entry for this variant (Variation ID: 480328). Advanced modeling of protein sequence and biophysical properties (such as structural, functional, and spatial information, amino acid conservation, physicochemical variation, residue mobility, and thermodynamic stability) performed at Invitae indicates that this missense variant is not expected to disrupt PMS2 protein function with a negative predictive value of 80%. In summary, the available evidence is currently insufficient to determine the role of this variant in disease. Therefore, it has been classified as a Variant of Uncertain Significance.

Ambry Genetics
Classification: Uncertain significance for Hereditary cancer-predisposing syndrome. Last evaluated: 2020-11-13. Review status: criteria provided, single submitter. Criteria: Ambry Variant Classification Scheme 2023. Collection method: clinical testing. Allele origin: germline.
Comment: The p.V306L variant (also known as c.916G>C), located in coding exon 9 of the PMS2 gene, results from a G to C substitution at nucleotide position 916. The valine at codon 306 is replaced by leucine, an amino acid with highly similar properties. This amino acid position is highly conserved in available vertebrate species. In addition, this alteration is predicted to be deleterious by in silico analysis. Since supporting evidence is limited at this time, the clinical significance of this alteration remains unclear.

NM_000535.7(PMS2):c.916G>C (p.Val306Leu)

Gene: PMS2 (PMS1 homolog 2, mismatch repair system component; minus strand). Cytogenetic location: 7p22.1.
Variant type: single nucleotide variant.
Coding change: c.916G>C on transcript NM_000535.7 (MANE Select); coding-DNA position 916, G replaced by C.
Protein change: p.Val306Leu; replaces valine 306 with leucine.
Molecular consequence: missense variant. On other transcripts: 5 prime UTR variant (2), non-coding transcript variant (1).
Genome position (GRCh38, 1-based): chr7:5,992,045, C>G on the plus strand (G>C on the coding strand, the complement: PMS2 is on the minus strand). VCF-style: chr7-5992045-C-G. GRCh37 (hg19) VCF-style: chr7-6031676-C-G.
Other names: c.511G>C, p.Val171Leu (NM_001322003.2, NM_001322004.2, NM_001322005.2 and 2 more transcripts); c.916G>C, p.Val306Leu (NM_001322006.2, NM_001322014.2); c.598G>C, p.Val200Leu (NM_001322007.2, NM_001322008.2); c.-18G>C (NM_001322011.2, NM_001322012.2); c.343G>C, p.Val115Leu (NM_001322013.2); c.607G>C, p.Val203Leu (NM_001322015.2); short protein forms V306L, V115L, V200L, V203L, V171L.
Identifiers: ClinVar variation 480328 (VCV000480328.14), dbSNP rs587780063, ClinGen allele CA366743200.